The following is an entry in ClinVar:

NM_201384.3(PLEC):c.11152G>A (p.Glu3718Lys)

Gene: PLEC (plectin; minus strand). Cytogenetic location: 8q24.3.
Variant type: single nucleotide variant.
Coding change: c.11152G>A on transcript NM_201384.3 (MANE Select); coding-DNA position 11152, G replaced by A.
Protein change: p.Glu3718Lys; replaces glutamic acid 3718 with lysine.
Molecular consequence: missense variant.
Genome position (GRCh38, 1-based): chr8:143,918,669, C>T on the plus strand (G>A on the coding strand, the complement: PLEC is on the minus strand). VCF-style: chr8-143918669-C-T. GRCh37 (hg19) VCF-style: chr8-144992837-C-T.
Other names: c.11233G>A, p.Glu3745Lys (NM_000445.5); c.11110G>A, p.Glu3704Lys (NM_201378.4); c.11086G>A, p.Glu3696Lys (NM_201379.3); c.11563G>A, p.Glu3855Lys (NM_201380.4); c.11056G>A, p.Glu3686Lys (NM_201381.3); c.11152G>A, p.Glu3718Lys (NM_201382.4); c.11164G>A, p.Glu3722Lys (NM_201383.3); c.11233G>A (NM_000445.3); short protein forms E3686K, E3696K, E3704K, E3718K, E3722K, E3745K, E3855K.
Identifiers: ClinVar variation 501751 (VCV000501751.13), dbSNP rs201007788, ClinGen allele CA187608351.

ClinVar aggregate classification (germline): Uncertain significance. Review status: criteria provided, multiple submitters, no conflicts (2 of 4 stars). 3 submissions from 3 submitters: Uncertain significance (3). Last evaluated 2026-01-21.

Conditions:
Epidermolysis bullosa simplex 5B, with muscular dystrophy (EBS5B). Also called: EPIDERMOLYSIS BULLOSA SIMPLEX AND LIMB-GIRDLE MUSCULAR DYSTROPHY; Epidermolysis bullosa simplex with muscular dystrophy. Identifiers: Orphanet 257, MedGen C2931072, MONDO:0009181, OMIM 226670.
Epidermolysis bullosa simplex, Ogna type (EBS5A). Also called: Pidermolysis bullosa simplex 5A, Ogna type; EPIDERMOLYSIS BULLOSA SIMPLEX 5A, OGNA TYPE. Identifiers: Orphanet 79401, MedGen C0432317, MONDO:0007555, OMIM 131950.
Autosomal recessive limb-girdle muscular dystrophy type 2Q (LGMDR17). Also called: MUSCULAR DYSTROPHY, LIMB-GIRDLE, AUTOSOMAL RECESSIVE 17. Identifiers: Orphanet 254361, MedGen C3150989, MONDO:0013390, OMIM 613723.
Epidermolysis bullosa simplex 5C, with pyloric atresia (EBS5C). Also called: Epidermolysis bullosa simplex with pyloric atresia; PLEC1-Related Epidermolysis Bullosa with Pyloric Atresia; PLEC-Related Epidermolysis Bullosa with Pyloric Atresia. Identifiers: Orphanet 158684, MedGen C2677349, MONDO:0012807, OMIM 612138.
Epidermolysis bullosa simplex with nail dystrophy (EBS5D). Identifiers: MedGen C4225309, MONDO:0014661, OMIM 616487.
Inborn genetic diseases. Identifiers: MedGen C0950123, MeSH D030342.

Allele frequency attached by ClinVar (database versions not stated): gnomAD exomes 0.00001 and 0.00003; gnomAD 0.00002; TOPMed 0.00005.
gnomAD v4.1: 44 of 1,612,690 alleles (0.0027%); highest among the groups gnomAD compares: Non-Finnish European, 0.0035%; no homozygotes.

Submissions (3):

Labcorp Genetics (formerly Invitae), Labcorp
Classification: Uncertain significance for Autosomal recessive limb-girdle muscular dystrophy type 2Q; Epidermolysis bullosa simplex, Ogna type; Epidermolysis bullosa simplex with nail dystrophy; Epidermolysis bullosa simplex 5C, with pyloric atresia; Epidermolysis bullosa simplex 5B, with muscular dystrophy. Last evaluated: 2026-01-21. Review status: criteria provided, single submitter. Criteria: Invitae Variant Classification Sherloc (09022015). Collection method: clinical testing. Allele origin: germline.
Comment: This sequence change replaces glutamic acid, which is acidic and polar, with lysine, which is basic and polar, at codon 3745 of the PLEC protein (p.Glu3745Lys). This variant is present in population databases (rs201007788, gnomAD 0.003%). This variant has not been reported in the literature in individuals affected with PLEC-related conditions. ClinVar contains an entry for this variant (Variation ID: 501751). An algorithm developed to predict the effect of missense changes on protein structure and function (PolyPhen-2) suggests that this variant is likely to be disruptive. In summary, the available evidence is currently insufficient to determine the role of this variant in disease. Therefore, it has been classified as a Variant of Uncertain Significance.

Ambry Genetics
Classification: Uncertain significance for Inborn genetic diseases. Last evaluated: 2022-06-16. Review status: criteria provided, single submitter. Criteria: Ambry Variant Classification Scheme 2023. Collection method: clinical testing. Allele origin: germline.

Eurofins Ntd Llc (ga)
Classification: Uncertain significance. Last evaluated: 2017-05-05. Review status: criteria provided, single submitter. Criteria: EGL Classification Definitions 2015. Collection method: clinical testing. Allele origin: germline. Observed: 1 variant allele, 1 heterozygote.